The following is an entry in ClinVar:

NM_001243230.2(TCF4):c.58A>G (p.Lys20Glu)

Gene: TCF4 (transcription factor 4; minus strand). Cytogenetic location: 18q21.2.
Variant type: single nucleotide variant.
Coding change: c.58A>G on transcript NM_001243230.2; coding-DNA position 58, A replaced by G.
Protein change: p.Lys20Glu; replaces lysine 20 with glutamic acid.
Molecular consequence: missense variant. On other transcripts: 5 prime UTR variant (3), intron variant (10).
Genome position (GRCh38, 1-based): chr18:55,588,478, T>C on the plus strand (A>G on the coding strand, the complement: TCF4 is on the minus strand). VCF-style: chr18-55588478-T-C. GRCh37 (hg19) VCF-style: chr18-53255709-T-C.
Other names: c.-29A>G (NM_001369568.1, NM_001369569.1, NM_001369572.1); c.287-1342A>G (NM_001243226.3); c.-1+819A>G (NM_001369584.1, NM_001369576.1, NM_001369577.1 and 3 more transcripts); c.-21+819A>G (NM_001369571.1, NM_001369567.1, NM_001243228.2); short protein forms K20E.
Identifiers: ClinVar variation 931728 (VCV000931728.5), dbSNP rs2097674336, ClinGen allele CA402704604.

ClinVar aggregate classification (germline): Uncertain significance (1 of 4 stars; one submission).

Conditions:
Pitt-Hopkins syndrome (PTHS). Also called: MENTAL RETARDATION, SYNDROMAL, WITH INTERMITTENT HYPERVENTILATION; ENCEPHALOPATHY, SEVERE EPILEPTIC, WITH AUTONOMIC DYSFUNCTION. Identifiers: Orphanet 2896, MedGen C1970431, MONDO:0012589, OMIM 610954.

Submission:

Centre for Mendelian Genomics, University Medical Centre Ljubljana
Classification: Uncertain significance for Pitt-Hopkins syndrome. Last evaluated: 2019-12-02. Review status: criteria provided, single submitter. Criteria: ACMG Guidelines, 2015. Collection method: clinical testing. Allele origin: unknown. Affected: yes.
Comment: This variant was classified as: Uncertain significance. The available evidence on this variant's pathogenicity is insufficient or conflicting. The following ACMG criteria were applied in classifying this variant: PM2,BP4.